The following is an entry in ClinVar:

NM_000245.4(MET):c.2413T>G (p.Ser805Ala)

Gene: MET (MET proto-oncogene, receptor tyrosine kinase; plus strand). Cytogenetic location: 7q31.2.
Variant type: single nucleotide variant.
Coding change: c.2413T>G on transcript NM_000245.4 (MANE Select); coding-DNA position 2413, T replaced by G.
Protein change: p.Ser805Ala; replaces serine 805 with alanine.
Molecular consequence: missense variant.
Genome position (GRCh38, 1-based): chr7:116,763,098, T>G. VCF-style: chr7-116763098-T-G. GRCh37 (hg19) VCF-style: chr7-116403152-T-G.
Other names: c.2467T>G, p.Ser823Ala (NM_001127500.3); c.2413T>G, p.Ser805Ala (NM_001324401.3); c.1123T>G, p.Ser375Ala (NM_001324402.2); short protein forms S823A, S805A, S375A.
Identifiers: ClinVar variation 3395108 (VCV003395108.1).
Genomic context (GRCh38, chr7:116,763,098, plus strand): 5'-GTCTTTCTCTAGGCATGTCAACATCGCTCTAATTCAGAGATAATCTGTTGTACCACTCCT[T>G]CCCTGCAACAGCTGAATCTGCAACTCCCCCTGAAAACCAAAGCCTTTTTCATGTTAGATG-3'
Protein context (NP_000236.2, residues 795-815): NSEIICCTTP[Ser805Ala]LQQLNLQLPL

ClinVar aggregate classification (germline): Uncertain significance (1 of 4 stars; one submission).

Conditions:
Hereditary cancer-predisposing syndrome. Also called: Hereditary Cancer Syndrome; Tumor predisposition; Hereditary neoplastic syndrome; Neoplastic Syndromes, Hereditary. Identifiers: Orphanet 140162, MedGen C0027672, MeSH D009386, MONDO:0015356.

Submission:

Ambry Genetics
Classification: Uncertain significance for Hereditary cancer-predisposing syndrome. Last evaluated: 2024-07-06. Review status: criteria provided, single submitter. Criteria: Ambry Variant Classification Scheme 2023. Collection method: clinical testing. Allele origin: germline.
Comment: The p.S823A variant (also known as c.2467T>G), located in coding exon 10 of the MET gene, results from a T to G substitution at nucleotide position 2467. The serine at codon 823 is replaced by alanine, an amino acid with similar properties. This amino acid position is conserved. In addition, the in silico prediction for this alteration is inconclusive. Based on the available evidence, the clinical significance of this variant remains unclear.